The following is an entry in ClinVar:

ClinVar aggregate classification (germline): Uncertain significance (1 of 4 stars; one submission).

Conditions:
Spastic paraplegia. Identifiers: MedGen C0037772, HP:0001258.

Submission:

Labcorp Genetics (formerly Invitae), Labcorp
Classification: Uncertain significance for Spastic paraplegia. Last evaluated: 2025-02-25. Review status: criteria provided, single submitter. Criteria: Invitae Variant Classification Sherloc (09022015). Collection method: clinical testing. Allele origin: germline.
Comment: This sequence change replaces threonine, which is neutral and polar, with serine, which is neutral and polar, at codon 932 of the L1CAM protein (p.Thr932Ser). This variant is not present in population databases (gnomAD no frequency). This variant has not been reported in the literature in individuals affected with L1CAM-related conditions. Invitae Evidence Modeling of protein sequence and biophysical properties (such as structural, functional, and spatial information, amino acid conservation, physicochemical variation, residue mobility, and thermodynamic stability) indicates that this missense variant is not expected to disrupt L1CAM protein function with a negative predictive value of 95%. In summary, the available evidence is currently insufficient to determine the role of this variant in disease. Therefore, it has been classified as a Variant of Uncertain Significance.

NM_001278116.2(L1CAM):c.2795C>G (p.Thr932Ser)

Gene: L1CAM (L1 cell adhesion molecule; minus strand). Cytogenetic location: Xq28.
Variant type: single nucleotide variant.
Coding change: c.2795C>G on transcript NM_001278116.2 (MANE Select); coding-DNA position 2795, C replaced by G.
Protein change: p.Thr932Ser; replaces threonine 932 with serine.
Molecular consequence: missense variant.
Genome position (GRCh38, 1-based): chrX:153,865,165, G>C on the plus strand (C>G on the coding strand, the complement: L1CAM is on the minus strand). VCF-style: chrX-153865165-G-C. GRCh37 (hg19) VCF-style: chrX-153130620-G-C.
Other names: c.2795C>G, p.Thr932Ser (NM_000425.5, NM_024003.3); c.2780C>G, p.Thr927Ser (NM_001143963.2); short protein forms T927S, T932S.
Identifiers: ClinVar variation 4802215 (VCV004802215.1).
Genomic context (GRCh38, chrX:153,865,165, plus strand): 5'-ACGTAGCCGGTGAGCACGCCGTTGTGGCTGAGTGGGGGCTGCCAGCGCAGCAGCAGGCTG[G>C]TGTTCGACTGGCACTCCAGGTGCAACGCCTCGGGGTGGCCAGGCACTGCAGGGCACAGAA-3'
Protein context (NP_001265045.1, residues 922-942): EALHLECQSN[Thr932Ser]SLLLRWQPPL